The following is an entry in ClinVar:

ClinVar aggregate classification (germline): Uncertain significance (1 of 4 stars; one submission).

Submission:

GeneDx
Classification: Uncertain significance. Last evaluated: 2026-09-01. Review status: criteria provided, single submitter. Criteria: GeneDx Variant Classification Process June 2021. Collection method: clinical testing. Allele origin: germline.
Comment: In silico analysis supports that this missense variant has a deleterious effect on protein structure/function; Has not been previously published as pathogenic or benign to our knowledge; Not observed at significant frequency in large population cohorts (gnomAD)

NM_007118.4(TRIO):c.3236G>A (p.Arg1079Lys)

Gene: TRIO (trio Rho guanine nucleotide exchange factor; plus strand). Cytogenetic location: 5p15.2.
Variant type: single nucleotide variant.
Coding change: c.3236G>A on transcript NM_007118.4 (MANE Select); coding-DNA position 3236, G replaced by A.
Protein change: p.Arg1079Lys; replaces arginine 1079 with lysine.
Molecular consequence: missense variant. On other transcripts: non-coding transcript variant (1).
Genome position (GRCh38, 1-based): chr5:14,374,248, G>A. VCF-style: chr5-14374248-G-A. GRCh37 (hg19) VCF-style: chr5-14374357-G-A.
Other names: short protein forms R1079K.
Identifiers: ClinVar variation 1223797 (VCV001223797.4), dbSNP rs2152348013, ClinGen allele CA359218471.